The following is an entry in ClinVar:

NM_004304.5(ALK):c.1865T>C (p.Ile622Thr)

Gene: ALK (ALK receptor tyrosine kinase; minus strand). Cytogenetic location: 2p23.2.
Variant type: single nucleotide variant.
Coding change: c.1865T>C on transcript NM_004304.5 (MANE Select); coding-DNA position 1865, T replaced by C.
Protein change: p.Ile622Thr; replaces isoleucine 622 with threonine.
Molecular consequence: missense variant.
Genome position (GRCh38, 1-based): chr2:29,275,449, A>G on the plus strand (T>C on the coding strand, the complement: ALK is on the minus strand). VCF-style: chr2-29275449-A-G. GRCh37 (hg19) VCF-style: chr2-29498315-A-G.
Other names: c.1865T>C (NM_004304.4); short protein forms I622T.
Identifiers: ClinVar variation 1491306 (VCV001491306.7), dbSNP rs1665516730, ClinGen allele CA346479952.
Genomic context (GRCh38, chr2:29,275,449, plus strand): 5'-AGAGTGAACTCACTGGTGAGGTAGCAGTCCAGGCTGATGGAGATATTGTCAAAAGCCACG[A>G]TGGCTCTGGATCCTTGTCCCCACCATGCGACCATCTGCAGCCAGAACCTGTACACATCAA-3'
Protein context (NP_004295.2, residues 612-632): VAWWGQGSRA[Ile622Thr]VAFDNISISL

ClinVar aggregate classification (germline): Conflicting classifications of pathogenicity. Review status: criteria provided, conflicting classifications (1 of 4 stars). 2 submissions from 2 submitters: Uncertain significance (1); Likely benign (1). Last evaluated 2025-04-20.

Conditions:
Neuroblastoma, susceptibility to, 3. Also called: ALK-Related Neuroblastic Tumor Susceptibility. Identifiers: Orphanet 635, MedGen C2751681, MONDO:0013083, OMIM 613014.
Hereditary cancer-predisposing syndrome. Also called: Neoplastic Syndromes, Hereditary; Tumor predisposition; Hereditary neoplastic syndrome; Hereditary Cancer Syndrome. Identifiers: Orphanet 140162, MedGen C0027672, MeSH D009386, MONDO:0015356.

Allele frequency attached by ClinVar (database versions not stated): gnomAD exomes 0.00001.
gnomAD v4.1: 6 of 1,614,158 alleles (0.00037%); highest among the groups gnomAD compares: East Asian, 0.0089%; no homozygotes.

Submissions (2):

Labcorp Genetics (formerly Invitae), Labcorp
Classification: Uncertain significance for Neuroblastoma, susceptibility to, 3. Last evaluated: 2025-04-20. Review status: criteria provided, single submitter. Criteria: Invitae Variant Classification Sherloc (09022015). Collection method: clinical testing. Allele origin: germline.
Comment: This sequence change replaces isoleucine, which is neutral and non-polar, with threonine, which is neutral and polar, at codon 622 of the ALK protein (p.Ile622Thr). This variant is not present in population databases (gnomAD no frequency). This variant has not been reported in the literature in individuals affected with ALK-related conditions. ClinVar contains an entry for this variant (Variation ID: 1491306). An algorithm developed to predict the effect of missense changes on protein structure and function outputs the following: PolyPhen-2: "Benign". The threonine amino acid residue is found in multiple mammalian species, which suggests that this missense change does not adversely affect protein function. In summary, the available evidence is currently insufficient to determine the role of this variant in disease. Therefore, it has been classified as a Variant of Uncertain Significance.

Ambry Genetics
Classification: Likely benign for Hereditary cancer-predisposing syndrome. Last evaluated: 2023-04-30. Review status: criteria provided, single submitter. Criteria: Ambry Variant Classification Scheme 2023. Collection method: clinical testing. Allele origin: germline.